The following is an entry in ClinVar:

ClinVar aggregate classification (germline): Uncertain significance (1 of 4 stars; one submission).

Conditions:
Hereditary cancer-predisposing syndrome. Also called: Neoplastic Syndromes, Hereditary; Tumor predisposition; Hereditary Cancer Syndrome; Hereditary neoplastic syndrome. Identifiers: Orphanet 140162, MedGen C0027672, MeSH D009386, MONDO:0015356.

Submission:

Ambry Genetics
Classification: Uncertain significance for Hereditary cancer-predisposing syndrome. Last evaluated: 2026-05-27. Review status: criteria provided, single submitter. Criteria: Ambry Variant Classification Scheme 2023. Collection method: clinical testing. Allele origin: germline.
Comment: The p.E413G variant (also known as c.1238A>G), located in coding exon 6 of the BLM gene, results from an A to G substitution at nucleotide position 1238. The glutamic acid at codon 413 is replaced by glycine, an amino acid with similar properties. This amino acid position is conserved. In addition, this alteration is predicted to be tolerated by in silico analysis. Based on the available evidence, the clinical significance of this variant remains unclear.

NM_000057.4(BLM):c.1238A>G (p.Glu413Gly)

Gene: BLM (BLM RecQ like helicase; plus strand). Cytogenetic location: 15q26.1.
Variant type: single nucleotide variant.
Coding change: c.1238A>G on transcript NM_000057.4 (MANE Select); coding-DNA position 1238, A replaced by G.
Protein change: p.Glu413Gly; replaces glutamic acid 413 with glycine.
Molecular consequence: missense variant.
Genome position (GRCh38, 1-based): chr15:90,760,611, A>G. VCF-style: chr15-90760611-A-G. GRCh37 (hg19) VCF-style: chr15-91303841-A-G.
Other names: c.1238A>G, p.Glu413Gly (NM_001287246.2, NM_001287247.2); c.113A>G, p.Glu38Gly (NM_001287248.2); short protein forms E38G, E413G.
Identifiers: ClinVar variation 4867520 (VCV004867520.1).